The following is an entry in ClinVar:

ClinVar aggregate classification (germline): Pathogenic/Likely pathogenic. Review status: criteria provided, multiple submitters, no conflicts (2 of 4 stars). 11 submissions from 11 submitters: Pathogenic (6); Likely pathogenic (3). 2 of the submissions do not count toward it. Last evaluated 2026-04-03.

Conditions:
Mitochondrial myopathy-cerebellar ataxia-pigmentary retinopathy syndrome. Also called: MYOPATHY, MITOCHONDRIAL, AND ATAXIA. Identifiers: Orphanet 502423, MedGen C4540096, MONDO:0044714, OMIM 617675.
MSTO1-related disorder. Also called: MSTO1‑Related Disease.
Inborn genetic diseases. Identifiers: MedGen C0950123, MeSH D030342.

Allele frequency attached by ClinVar (database versions not stated): gnomAD 0.00008 and 0.00009; ExAC 0.00008; TOPMed 0.00009; 1000 Genomes Project 30x 0.00016; 1000 Genomes Project 0.00020.
gnomAD v4.1: 116 of 1,613,508 alleles (0.0072%); highest among the groups gnomAD compares: Admixed American, 0.027%; 1 homozygote.

Submissions (11):

GeneDx
Classification: Pathogenic. Last evaluated: 2026-04-03. Review status: criteria provided, single submitter. Criteria: GeneDx Variant Classification Process June 2021. Collection method: clinical testing. Allele origin: germline. Affected: yes.
Comment: In silico analysis supports that this missense variant has a deleterious effect on protein structure/function; This variant is associated with the following publications: (PMID: 29339779, 31463572, 30684668, 33163565, 36305856, 38544359, 36468072)

Variantyx, Inc.
Classification: Pathogenic for Mitochondrial myopathy-cerebellar ataxia-pigmentary retinopathy syndrome. Last evaluated: 2025-12-03. Review status: criteria provided, single submitter. Criteria: Variantyx Assertion Criteria 2022. Collection method: clinical testing. Allele origin: germline. Inheritance: Autosomal recessive inheritance. Affected: no.
Comment: This is a nonsynonymous variant in the MSTO1 gene (OMIM: 617619). Pathogenic variants in this gene have been associated with autosomal recessive mitochondrial myopathy and ataxia. This variant has been identified in the compound heterozygous state in many affected individuals reported in the published literature (PMID: 29339779, 30684668, 31463572 (PM3) and it has been observed to segregate with disease in at least three individuals from two unrelated families (PMID: 30684668, 31463572 ) (PP1). Functional studies have shown that this variant alters MSTO1 protein function (PMID: 31463572 ) (PS3_Moderate) and multiple computational algorithms predict no functional impact for this variant (REVEL score: 0.211) (BP4). This variant has a 0.0267% maximum allele frequency in non-founder control populations (PM2). Based on the current evidence, this variant is classified as pathogenic for autosomal recessive mitochondrial myopathy and ataxia.

Labcorp Genetics (formerly Invitae), Labcorp
Classification: Pathogenic. Last evaluated: 2025-05-30. Review status: criteria provided, single submitter. Criteria: Invitae Variant Classification Sherloc (09022015). Collection method: clinical testing. Allele origin: germline.
Comment: This sequence change replaces arginine, which is basic and polar, with histidine, which is basic and polar, at codon 279 of the MSTO1 protein (p.Arg279His). This variant is present in population databases (rs563943670, gnomAD 0.03%), including at least one homozygous and/or hemizygous individual. This missense change has been observed in individual(s) with mitochondrial myopathy and ataxia (PMID: 29339779, 30684668). In at least one individual the data is consistent with being in trans (on the opposite chromosome) from a pathogenic variant. ClinVar contains an entry for this variant (Variation ID: 590277). Invitae Evidence Modeling of protein sequence and biophysical properties (such as structural, functional, and spatial information, amino acid conservation, physicochemical variation, residue mobility, and thermodynamic stability) has been performed for this missense variant. However, the output from this modeling did not meet the statistical confidence thresholds required to predict the impact of this variant on MSTO1 protein function. For these reasons, this variant has been classified as Pathogenic.

Greenwood Genetic Center Diagnostic Laboratories, Greenwood Genetic Center
Classification: Pathogenic for Mitochondrial myopathy-cerebellar ataxia-pigmentary retinopathy syndrome. Last evaluated: 2025-04-23. Review status: criteria provided, single submitter. Criteria: ACMG Guidelines, 2015. Collection method: clinical testing. Allele origin: germline. Affected: yes.
Comment: PS3_Moderate, PM3_Very Strong, PM5_Supporting

Ambry Genetics
Classification: Pathogenic for Inborn genetic diseases. Last evaluated: 2025-01-07. Review status: criteria provided, single submitter. Criteria: Ambry Variant Classification Scheme 2023. Collection method: clinical testing. Allele origin: germline.
Comment: The c.836G>A (p.R279H) alteration is located in exon 9 (coding exon 9) of the MSTO1 gene. This alteration results from a G to A substitution at nucleotide position 836, causing the arginine (R) at amino acid position 279 to be replaced by a histidine (H). Based on data from gnomAD, the A allele has an overall frequency of 0.008% (22/282178) total alleles studied. The highest observed frequency was 0.017% (6/35260) of Latino alleles. This variant has been identified in conjunction with other MSTO1 variant(s) in individual(s) with features consistent with mitochondrial myopathy and ataxia and segregated with disease in at least one family; in at least one instance, the variants were identified in trans (Iwama, 2018; Donkervoort, 2019; Li, 2019). This amino acid position is well conserved in available vertebrate species. This alteration is predicted to be tolerated by in silico analysis. Based on the available evidence, this alteration is classified as pathogenic.

Broad Center for Mendelian Genomics, Broad Institute of MIT and Harvard
Classification: Likely pathogenic for Mitochondrial myopathy-cerebellar ataxia-pigmentary retinopathy syndrome. Last evaluated: 2024-11-27. Review status: criteria provided, single submitter. Criteria: ACMG Guidelines, 2015. Collection method: research. Allele origin: germline. Inheritance: Autosomal recessive inheritance.
Comment: The p.Arg279His variant in MSTO1 has been reported in 8 additional individuals with myopathy, mitochondrial, and ataxia, segregated with disease in 5 affected relatives from 2 families (PMID: 30684668, 31463572, 29339779). Of the 8 affected individuals, 4 were compound heterozygotes that carried a reported pathogenic/likely pathogenic variant in trans, which increases the likelihood that the p. Arg279His variant is pathogenic (Variation ID: 504109, 987950, 987949; PMID: 30684668, 29339779). This variant has been identified in 0.03% (16/59852) in Latino/Admixed American chromosomes by the Genome Aggregation Database (gnomAD; dbSNP rs563943670), including one homozygote. Although this variant has been seen in the general population, its frequency is not high enough to rule out a pathogenic role. This variant has been reported in ClinVar (Variation ID: 590277) and has been interpreted as pathogenic/likely pathogenic by OMIM, Institute of Medical Genetics and Applied Genomics, University Hospital Tübingen, GeneDx, and Labcorp Genetics, Genetic Services Laboratory (University of Chicago), and a variant of uncertain significance by the Department of Pediatrics (Union Hospital, Tongji Medical College, Huazhong University of Science and Technology). In vitro functional studies provide some evidence that the p.Arg279His variant may impact protein function (PMID: 31463572). However, these types of assays may not accurately represent biological function. Computational prediction tools and conservation analyses do not provide strong support for or against an impact to the protein. In summary, although additional studies are required to fully establish its clinical significance, this variant is likely pathogenic for autosomal recessive myopathy, mitochondrial, and ataxia. ACMG/AMP Criteria applied: PM3_strong, PP1_moderate, PS3_moderate (Richards 2015).

Blueprint Genetics
Classification: Likely pathogenic for MSTO1-related disorders. Last evaluated: 2024-11-20. Review status: criteria provided, single submitter. Criteria: ACMG Guidelines, 2015. Collection method: clinical testing. Allele origin: germline. Affected: yes. Observed: 5 variant alleles.

Institute of Medical Genetics and Applied Genomics, University Hospital Tübingen
Classification: Pathogenic for Mitochondrial myopathy-cerebellar ataxia-pigmentary retinopathy syndrome. Last evaluated: 2024-09-26. Review status: criteria provided, single submitter. Criteria: ACMG Guidelines, 2015. Collection method: clinical testing. Allele origin: germline. Inheritance: Autosomal recessive inheritance. Affected: yes.

Genetic Services Laboratory, University of Chicago
Classification: Likely pathogenic. Last evaluated: 2020-08-10. Review status: criteria provided, single submitter. Criteria: ACMG Guidelines, 2015. Collection method: clinical testing. Allele origin: germline. Affected: yes.
Comment: The sequence change, c.836G>A in exon 9, results in an amino acid change, p.Arg279His. This sequence change has been described in the gnomAD database with a low population frequency of 0.007796% (dbSNP rs563943670). The p.Arg279His change affects a moderately conserved amino acid residue located in a domain of the MSTO1 protein that is known to be functional. This particular sequence change has been reported in the compound heterozygous state with a loss of function variant in two unrelated individuals with cerebellar atrophy, intellectual disability and pigmentary retinopathy (PMIDL 29339779). This sequence change was also reported to segregate in the compound heterozygous state in one family with muscle weakness, motor delay, dysarthria, learning difficulty, and cerebellar atrophy (PMID: 31463572). Muscle biopsy findings were consistent with a dystrophic process (PMID: 31463572). Functional studies using patient derived fibroblasts demonstrated a significant reduction in MSTO1 protein and fragmented mitochondrial networks (PMID: 31463572). Lastly, another amino acid change at this position (c.835C>T p.Arg279Cys) was reported in one individual with muscle weakness, dysarthria, and learning difficulties (PMID: 31463572). Collectively, these evidences indicate that the c.836G>A sequence change is likely pathogenic.

OMIM
Classification: Pathogenic for MYOPATHY, MITOCHONDRIAL, AND ATAXIA, AUTOSOMAL RECESSIVE. Last evaluated: 2022-11-30. Review status: no assertion criteria provided. Collection method: literature only. Allele origin: germline. Not counted in ClinVar's aggregate classification.

Department of Pediatrics, Union Hospital, Tongji Medical College, Huazhong University of Science and Technology
Classification: Uncertain significance for Mitochondrial myopathy-cerebellar ataxia-pigmentary retinopathy syndrome. Review status: no assertion criteria provided. Collection method: clinical testing. Allele origin: inherited. Affected: yes. Not counted in ClinVar's aggregate classification.

Literature cited by the submitters: PubMed 31463572 (cited by 3 submitters); PubMed 30684668 (cited by 4 submitters); PubMed 29339779 (cited by 4 submitters).

NM_018116.4(MSTO1):c.836G>A (p.Arg279His)

Gene: MSTO1 (misato mitochondrial distribution and morphology regulator 1; plus strand). Cytogenetic location: 1q22.
Variant type: single nucleotide variant.
Coding change: c.836G>A on transcript NM_018116.4 (MANE Select); coding-DNA position 836, G replaced by A.
Protein change: p.Arg279His; replaces arginine 279 with histidine.
Molecular consequence: missense variant. On other transcripts: non-coding transcript variant (6).
Genome position (GRCh38, 1-based): chr1:155,612,440, G>A. VCF-style: chr1-155612440-G-A. GRCh37 (hg19) VCF-style: chr1-155582231-G-A.
Other names: c.836G>A, p.Arg279His (NM_001350774.1, NM_001350775.1, NM_001256532.1 and 3 more transcripts); c.671G>A, p.Arg224His (NM_001350776.1); c.305G>A, p.Arg102His (NM_001350777.1, NM_001350778.1, NM_001350779.1); c.302G>A, p.Arg101His (NM_001350780.1, NM_001350781.1, NM_001350782.1 and 3 more transcripts); c.293G>A, p.Arg98His (NM_001350784.1, NM_001350785.1, NM_001350787.1 and 1 more transcripts); c.836G>A (NM_018116.2, NM_018116.3); short protein forms R279H, R101H, R102H, R224H, R98H.
Identifiers: ClinVar variation 590277 (VCV000590277.28), dbSNP rs563943670, ClinGen allele CA1148045.